The following is an entry in ClinVar:

NM_020911.2(PLXNA4):c.3247A>G (p.Ile1083Val)

Gene: PLXNA4 (plexin A4; minus strand). Cytogenetic location: 7q32.3.
Variant type: single nucleotide variant.
Coding change: c.3247A>G on transcript NM_020911.2 (MANE Select); coding-DNA position 3247, A replaced by G.
Protein change: p.Ile1083Val; replaces isoleucine 1083 with valine.
Molecular consequence: missense variant.
Genome position (GRCh38, 1-based): chr7:132,182,102, T>C on the plus strand (A>G on the coding strand, the complement: PLXNA4 is on the minus strand). VCF-style: chr7-132182102-T-C. GRCh37 (hg19) VCF-style: chr7-131866861-T-C.
Other names: c.3247A>G, p.Ile1083Val (NM_001393897.1); short protein forms I1083V.
Identifiers: ClinVar variation 4977292 (VCV004977292.1).

ClinVar aggregate classification (germline): Uncertain significance (1 of 4 stars; one submission).

Conditions:
PLXNA4-related disorder. Also called: PLXNA4-related condition.

gnomAD v4.1: 99 of 1,614,036 alleles (0.0061%); highest among the groups gnomAD compares: Non-Finnish European, 0.0058%; no homozygotes.

Submission:

PreventionGenetics, part of Exact Sciences
Classification: Uncertain significance for PLXNA4-related condition. Last evaluated: 2026-04-03. Review status: criteria provided, single submitter. Criteria: ACMG Guidelines, 2015. Collection method: clinical testing. Allele origin: germline.
Comment: The PLXNA4 c.3247A>G variant is predicted to result in the amino acid substitution p.Ile1083Val. To our knowledge, this variant has not been reported in the literature. This variant is reported in 0.028% of alleles in individuals of European (Finnish) descent in gnomAD. At this time, the clinical significance of this variant is uncertain due to the absence of conclusive functional and genetic evidence.